The following is an entry in ClinVar:

NM_004946.3(DOCK2):c.650C>A (p.Ser217Ter)

Gene: DOCK2 (dedicator of cytokinesis 2; plus strand). Cytogenetic location: 5q35.1.
Variant type: single nucleotide variant.
Coding change: c.650C>A on transcript NM_004946.3 (MANE Select); coding-DNA position 650, C replaced by A.
Protein change: p.Ser217Ter; replaces serine 217 with a stop codon.
Molecular consequence: nonsense. On other transcripts: non-coding transcript variant (1).
Genome position (GRCh38, 1-based): chr5:169,684,239, C>A. VCF-style: chr5-169684239-C-A. GRCh37 (hg19) VCF-style: chr5-169111243-C-A.
Other names: short protein forms S217*.
Identifiers: ClinVar variation 2828268 (VCV002828268.3), dbSNP rs755691445, ClinGen allele CA362103552.
Genomic context (GRCh38, chr5:169,684,239, plus strand): 5'-TTCCTTCTGCCTTTCAGTCAAAAGACCAGCCAGATTATGCAATGTATTCCCGGATCTCCT[C>A]ATCCCCCACCCATAGCCTCTATGTGTTTGTGAGAAACTTTGTGTGCAGAATTGGGGAAGA-3'

ClinVar aggregate classification (germline): Pathogenic (1 of 4 stars; one submission).

Conditions:
DOCK2 deficiency. Also called: Immunodeficiency 40. Identifiers: Orphanet 447737, MedGen C4225328, MONDO:0014637, OMIM 616433.

gnomAD v4.1: 2 of 1,614,190 alleles (0.00012%); highest among the groups gnomAD compares: Non-Finnish European, 0.00017%; no homozygotes.

Submission:

Labcorp Genetics (formerly Invitae), Labcorp
Classification: Pathogenic for DOCK2 deficiency. Last evaluated: 2023-01-13. Review status: criteria provided, single submitter. Criteria: Invitae Variant Classification Sherloc (09022015). Collection method: clinical testing. Allele origin: germline.
Comment: This sequence change creates a premature translational stop signal (p.Ser217*) in the DOCK2 gene. It is expected to result in an absent or disrupted protein product. Loss-of-function variants in DOCK2 are known to be pathogenic (PMID: 26083206). For these reasons, this variant has been classified as Pathogenic. This variant has not been reported in the literature in individuals affected with DOCK2-related conditions. This variant is present in population databases (no rsID available, gnomAD 0.0009%).

Literature cited by the submitters: PubMed 26083206.